The following is an entry in ClinVar:

ClinVar aggregate classification (germline): Uncertain significance. Review status: criteria provided, multiple submitters, no conflicts (2 of 4 stars). 2 submissions from 2 submitters: Uncertain significance (2). Last evaluated 2025-07-03.

Conditions:
Cardiovascular phenotype. Identifiers: MedGen CN230736.
Dilated cardiomyopathy 1DD (CMD1DD). Identifiers: Orphanet 154, MedGen C2750995, MONDO:0013168, OMIM 613172.

Allele frequency attached by ClinVar (database versions not stated): TOPMed 0.00001.
gnomAD v4.1: 2 of 1,551,606 alleles (0.00013%); highest among the groups gnomAD compares: Non-Finnish European, 0.00017%; no homozygotes.

Submissions (2):

Ambry Genetics
Classification: Uncertain significance for Cardiovascular phenotype. Last evaluated: 2025-07-03. Review status: criteria provided, single submitter. Criteria: Ambry Variant Classification Scheme 2023. Collection method: clinical testing. Allele origin: germline.
Comment: The p.S235R variant (also known as c.705C>A), located in coding exon 2 of the RBM20 gene, results from a C to A substitution at nucleotide position 705. The serine at codon 235 is replaced by arginine, an amino acid with dissimilar properties. This amino acid position is conserved. In addition, this alteration is predicted to be tolerated by in silico analysis. Based on the available evidence, the clinical significance of this variant remains unclear.

Labcorp Genetics (formerly Invitae), Labcorp
Classification: Uncertain significance for Dilated cardiomyopathy 1DD. Last evaluated: 2020-10-21. Review status: criteria provided, single submitter. Criteria: Invitae Variant Classification Sherloc (09022015). Collection method: clinical testing. Allele origin: germline.
Comment: Advanced modeling of protein sequence and biophysical properties (such as structural, functional, and spatial information, amino acid conservation, physicochemical variation, residue mobility, and thermodynamic stability) performed at Invitae indicates that this missense variant is not expected to disrupt RBM20 protein function. In summary, the available evidence is currently insufficient to determine the role of this variant in disease. Therefore, it has been classified as a Variant of Uncertain Significance. This variant has not been reported in the literature in individuals with RBM20-related conditions. This variant is not present in population databases (ExAC no frequency). This sequence change replaces serine with arginine at codon 235 of the RBM20 protein (p.Ser235Arg). The serine residue is weakly conserved and there is a moderate physicochemical difference between serine and arginine.

NM_001134363.3(RBM20):c.705C>A (p.Ser235Arg)

Gene: RBM20 (RNA binding motif protein 20; plus strand). Cytogenetic location: 10q25.2.
Variant type: single nucleotide variant.
Coding change: c.705C>A on transcript NM_001134363.3 (MANE Select); coding-DNA position 705, C replaced by A.
Protein change: p.Ser235Arg; replaces serine 235 with arginine.
Molecular consequence: missense variant.
Genome position (GRCh38, 1-based): chr10:110,781,314, C>A. VCF-style: chr10-110781314-C-A. GRCh37 (hg19) VCF-style: chr10-112541072-C-A.
Other names: c.705C>A (NM_001134363.1); short protein forms S235R.
Identifiers: ClinVar variation 1044723 (VCV001044723.9), dbSNP rs1257780371, ClinGen allele CA378382435.
Genomic context (GRCh38, chr10:110,781,314, plus strand): 5'-CATTGGCAAGACTGGGCCTGCTCCAGCTACAGCAGGATTCTATGAGTATGGCAAAGCCAG[C>A]TCTGGCCAGACATATGGCCCTGAAACAGATGGTCAGCCTGGCTTCCTGCCATCCTCGGCC-3'
Protein context (NP_001127835.2, residues 225-245): TAGFYEYGKA[Ser235Arg]SGQTYGPETD